The following is an entry in ClinVar:

ClinVar aggregate classification (germline): Likely benign (0 of 4 stars; one submission).

Conditions:
COG1-related disorder. Also called: COG1-related condition.

Allele frequency attached by ClinVar (database versions not stated): gnomAD exomes 0.00002; TOPMed 0.00002.
gnomAD v4.1: 26 of 1,613,814 alleles (0.0016%); highest among the groups gnomAD compares: East Asian, 0.011%; 1 homozygote.

Submission:

PreventionGenetics, part of Exact Sciences
Classification: Likely benign for COG1-related condition. Last evaluated: 2019-02-20. Review status: no assertion criteria provided. Collection method: clinical testing. Allele origin: germline.
Comment: This variant is classified as likely benign based on ACMG/AMP sequence variant interpretation guidelines (Richards et al. 2015 PMID: 25741868, with internal and published modifications).

NM_018714.3(COG1):c.2475C>T (p.Asp825=)

Gene: COG1 (component of oligomeric golgi complex 1; plus strand). Cytogenetic location: 17q25.1.
Variant type: single nucleotide variant.
Coding change: c.2475C>T on transcript NM_018714.3 (MANE Select); coding-DNA position 2475, C replaced by T.
Protein change: p.Asp825=; no amino-acid change (aspartic acid 825 retained).
Molecular consequence: synonymous variant.
Genome position (GRCh38, 1-based): chr17:73,205,645, C>T. VCF-style: chr17-73205645-C-T. GRCh37 (hg19) VCF-style: chr17-71201784-C-T.
Identifiers: ClinVar variation 3047686 (VCV003047686.2), dbSNP rs533834836, ClinGen allele CA8740479.